The following is an entry in ClinVar:

NM_000140.5(FECH):c.1078-1G>A

Gene: FECH (ferrochelatase; minus strand). Cytogenetic location: 18q21.31.
Variant type: single nucleotide variant.
Coding change: c.1078-1G>A on transcript NM_000140.5 (MANE Select); the canonical splice acceptor site of the intron before coding-DNA position 1078, G replaced by A.
Molecular consequence: splice acceptor variant. On other transcripts: intron variant (1).
Genome position (GRCh38, 1-based): chr18:57,551,375, C>T on the plus strand (G>A on the coding strand, the complement: FECH is on the minus strand). VCF-style: chr18-57551375-C-T. GRCh37 (hg19) VCF-style: chr18-55218607-C-T.
Other names: c.979-1G>A (NM_001371094.1); c.1078-529G>A (NM_001374778.1); c.1096-1G>A (NM_001012515.4); c.862-1G>A (NM_001371095.1).
Identifiers: ClinVar variation 2736732 (VCV002736732.3), dbSNP rs1168401498, ClinGen allele CA402539319.

ClinVar aggregate classification (germline): Pathogenic (1 of 4 stars; one submission).

Allele frequency attached by ClinVar (database versions not stated): gnomAD 0.00001; TOPMed 0.00001; gnomAD exomes below 0.00001.
gnomAD v4.1: 3 of 1,611,750 alleles (0.00019%); highest among the groups gnomAD compares: South Asian, 0.0011%; no homozygotes.

Submission:

Labcorp Genetics (formerly Invitae), Labcorp
Classification: Pathogenic. Last evaluated: 2025-10-28. Review status: criteria provided, single submitter. Criteria: Invitae Variant Classification Sherloc (09022015). Collection method: clinical testing. Allele origin: germline.
Comment: This sequence change affects an acceptor splice site in intron 9 of the FECH gene. It is expected to disrupt RNA splicing. Variants that disrupt the donor or acceptor splice site typically lead to a loss of protein function (PMID: 16199547), and loss-of-function variants in FECH are known to be pathogenic (PMID: 20105171, 23016163, 23364466). The frequency data for this variant in the population databases is considered unreliable, as metrics indicate poor data quality at this position in the gnomAD database. Disruption of this splice site has been observed in individuals with clinical features of erythropoietic protoporphyria (PMID: 23364466; internal data). ClinVar contains an entry for this variant (Variation ID: 2736732). Algorithms developed to predict the effect of sequence changes on RNA splicing suggest that this variant may disrupt the consensus splice site. For these reasons, this variant has been classified as Pathogenic.

Literature cited by the submitters: PubMed 16199547; PubMed 20105171; PubMed 23016163; PubMed 23364466.